The following is an entry in ClinVar:

NM_000245.4(MET):c.1393-9G>A

Gene: MET (MET proto-oncogene, receptor tyrosine kinase; plus strand). Cytogenetic location: 7q31.2.
Variant type: single nucleotide variant.
Coding change: c.1393-9G>A on transcript NM_000245.4 (MANE Select); 9 bases into the intron before coding-DNA position 1393, G replaced by A.
Molecular consequence: intron variant.
Genome position (GRCh38, 1-based): chr7:116,739,941, G>A. VCF-style: chr7-116739941-G-A. GRCh37 (hg19) VCF-style: chr7-116379995-G-A.
Other names: c.1393-9G>A (NM_001127500.3, NM_001324401.3); c.103-9G>A (NM_001324402.2).
Identifiers: ClinVar variation 1631197 (VCV001631197.9), dbSNP rs1474428051, ClinGen allele CA577210642.

ClinVar aggregate classification (germline): Likely benign. Review status: criteria provided, multiple submitters, no conflicts (2 of 4 stars). 2 submissions from 2 submitters: Likely benign (2). Last evaluated 2024-12-08.

Conditions:
Renal cell carcinoma. Identifiers: Orphanet 217071, MedGen C0007134, MeSH D002292, MONDO:0005086, HP:0005584.
Papillary renal cell carcinoma type 1 (RCCP1). Also called: Renal adenocarcinoma; Renal cell carcinoma 1; Renal cell carcinoma, somatic; RENAL CELL CARCINOMA, PAPILLARY, 1, SOMATIC. Identifiers: Orphanet 47044, MedGen C1336839, OMIM 605074, HP:0011797.

Allele frequency attached by ClinVar (database versions not stated): gnomAD exomes below 0.00001; gnomAD 0.00001.
gnomAD v4.1: 5 of 1,613,746 alleles (0.00031%); highest among the groups gnomAD compares: East Asian, 0.0045%; no homozygotes.

Submissions (2):

Labcorp Genetics (formerly Invitae), Labcorp
Classification: Likely benign for Renal cell carcinoma. Last evaluated: 2024-12-08. Review status: criteria provided, single submitter. Criteria: Invitae Variant Classification Sherloc (09022015). Collection method: clinical testing. Allele origin: germline.

Myriad Genetics, Inc.
Classification: Likely benign for Papillary renal cell carcinoma type 1. Last evaluated: 2024-11-07. Review status: criteria provided, single submitter. Criteria: Myriad Autosomal Dominant, Autosomal Recessive and X-Linked Classification Criteria (2023). Collection method: clinical testing. Allele origin: unknown.
Comment: This variant is considered likely benign. This variant is intronic and is not expected to impact mRNA splicing.